The following is an entry in ClinVar:

NM_004360.5(CDH1):c.2578G>A (p.Asp860Asn)

Gene: CDH1 (cadherin 1; plus strand). Cytogenetic location: 16q22.1.
Variant type: single nucleotide variant.
Coding change: c.2578G>A on transcript NM_004360.5 (MANE Select); coding-DNA position 2578, G replaced by A.
Protein change: p.Asp860Asn; replaces aspartic acid 860 with asparagine.
Molecular consequence: missense variant.
Genome position (GRCh38, 1-based): chr16:68,833,428, G>A. VCF-style: chr16-68833428-G-A. GRCh37 (hg19) VCF-style: chr16-68867331-G-A.
Other names: c.2578G>A (LRG_301t1, NM_004360.4); c.2395G>A, p.Asp799Asn (NM_001317184.2); c.1030G>A, p.Asp344Asn (NM_001317185.2); c.613G>A, p.Asp205Asn (NM_001317186.2); short protein forms D860N, D205N, D344N, D799N.
Identifiers: ClinVar variation 481675 (VCV000481675.14), dbSNP rs1412506259, ClinGen allele CA396472545.

ClinVar aggregate classification (germline): Uncertain significance. Review status: criteria provided, multiple submitters, no conflicts (2 of 4 stars). 3 submissions from 3 submitters: Uncertain significance (3). Last evaluated 2025-08-11.

Conditions:
Hereditary cancer-predisposing syndrome. Also called: Hereditary neoplastic syndrome; Neoplastic Syndromes, Hereditary; Tumor predisposition; Hereditary Cancer Syndrome. Identifiers: Orphanet 140162, MedGen C0027672, MeSH D009386, MONDO:0015356.
Hereditary diffuse gastric adenocarcinoma (HDGC). Also called: DIFFUSE GASTRIC AND LOBULAR BREAST CANCER SYNDROME. Identifiers: Orphanet 26106, MedGen C1708349, MONDO:0007648, OMIM 137215.

Submissions (3):

Labcorp Genetics (formerly Invitae), Labcorp
Classification: Uncertain significance for Hereditary diffuse gastric adenocarcinoma. Last evaluated: 2025-08-11. Review status: criteria provided, single submitter. Criteria: Invitae Variant Classification Sherloc (09022015). Collection method: clinical testing. Allele origin: germline.
Comment: This sequence change replaces aspartic acid, which is acidic and polar, with asparagine, which is neutral and polar, at codon 860 of the CDH1 protein (p.Asp860Asn). This variant is not present in population databases (gnomAD no frequency). This missense change has been observed in individual(s) with breast cancer (PMID: 36436516). ClinVar contains an entry for this variant (Variation ID: 481675). An algorithm developed to predict the effect of missense changes on protein structure and function (PolyPhen-2) suggests that this variant is likely to be disruptive. In summary, the available evidence is currently insufficient to determine the role of this variant in disease. Therefore, it has been classified as a Variant of Uncertain Significance.

Ambry Genetics
Classification: Uncertain significance for Hereditary cancer-predisposing syndrome. Last evaluated: 2024-03-12. Review status: criteria provided, single submitter. Criteria: Ambry Variant Classification Scheme 2023. Collection method: clinical testing. Allele origin: germline.
Comment: The p.D860N variant (also known as c.2578G>A), located in coding exon 16 of the CDH1 gene, results from a G to A substitution at nucleotide position 2578. The aspartic acid at codon 860 is replaced by asparagine, an amino acid with highly similar properties. This amino acid position is well conserved in available vertebrate species. In addition, this alteration is predicted to be tolerated by in silico analysis. Since supporting evidence is limited at this time, the clinical significance of this alteration remains unclear.

European Reference Network on Genetic Tumour Risk Syndromes (ERN-GENTURIS), i3s - Instituto de Investigação e Inovação em Saúde, University of Porto
Classification: Uncertain significance for Hereditary diffuse gastric adenocarcinoma. Last evaluated: 2022-08-01. Review status: criteria provided, single submitter. Criteria: Lee et al. (Hum Mutat. 2018). Collection method: clinical testing. Allele origin: germline. Inheritance: Autosomal dominant inheritance. Affected: no. Study: ERN GENTURIS.
Comment: PM2 (PMID: 30311375)

Literature cited by the submitters: PubMed 36436516 (cited by Labcorp Genetics (formerly Invitae), Labcorp and European Reference Network on Genetic Tumour Risk Syndromes (ERN-GENTURIS), i3s - Instituto de Investigação e Inovação em Saúde, University of Porto).